The following is an entry in ClinVar:

ClinVar aggregate classification (germline): Uncertain significance. Review status: criteria provided, multiple submitters, no conflicts (2 of 4 stars). 3 submissions from 3 submitters: Uncertain significance (3). Last evaluated 2026-01-19.

Conditions:
Cardiovascular phenotype. Identifiers: MedGen CN230736.
Ehlers-Danlos syndrome (EDS). Identifiers: Orphanet 98249, MedGen C0013720, MONDO:0020066.

Allele frequency attached by ClinVar (database versions not stated): ESP Exome Variant Server 0.00008.
gnomAD v4.1: 7 of 1,613,042 alleles (0.00043%); highest among the groups gnomAD compares: South Asian, 0.0011%; no homozygotes.

Submissions (3):

Women's Health and Genetics/Laboratory Corporation of America, LabCorp
Classification: Uncertain significance. Last evaluated: 2026-01-19. Review status: criteria provided, single submitter. Criteria: LabCorp Variant Classification Summary - May 2015. Collection method: clinical testing. Allele origin: germline.
Comment: Variant summary: TNXB c.1834G>T (p.Val612Leu) results in a conservative amino acid change in the encoded protein sequence. Algorithms developed to predict the effect of missense changes on protein structure and function all suggest that this variant is likely to be tolerated. The variant allele was found at a frequency of 1.2e-05 in 241530 control chromosomes. The available data on variant occurrences in the general population are insufficient to allow any conclusion about variant significance. To our knowledge, no occurrence of c.1834G>T in individuals affected with TNXB-related conditions and no experimental evidence demonstrating its impact on protein function have been reported. ClinVar contains an entry for this variant (Variation ID: 1702317). Based on the evidence outlined above, the variant was classified as uncertain significance.

Ambry Genetics
Classification: Uncertain significance for Cardiovascular phenotype. Last evaluated: 2023-12-10. Review status: criteria provided, single submitter. Criteria: Ambry Variant Classification Scheme 2023. Collection method: clinical testing. Allele origin: germline.
Comment: The p.V612L variant (also known as c.1834G>T), located in coding exon 2 of the TNXB gene, results from a G to T substitution at nucleotide position 1834. The valine at codon 612 is replaced by leucine, an amino acid with highly similar properties. This amino acid position is conserved. In addition, this alteration is predicted to be tolerated by in silico analysis. Since supporting evidence is limited at this time, the clinical significance of this alteration remains unclear.

Genome Diagnostics Laboratory, The Hospital for Sick Children
Classification: Uncertain significance for Ehlers-Danlos syndrome. Last evaluated: 2021-10-20. Review status: criteria provided, single submitter. Criteria: ACMG Guidelines, 2015. Collection method: clinical testing. Allele origin: germline.

NM_001365276.2(TNXB):c.1834G>T (p.Val612Leu)

Gene: TNXB (tenascin XB; minus strand). Cytogenetic location: 6p21.33.
Variant type: single nucleotide variant.
Coding change: c.1834G>T on transcript NM_001365276.2 (MANE Select); coding-DNA position 1834, G replaced by T.
Protein change: p.Val612Leu; replaces valine 612 with leucine.
Molecular consequence: missense variant.
Genome position (GRCh38, 1-based): chr6:32,096,019, C>A on the plus strand (G>T on the coding strand, the complement: TNXB is on the minus strand). VCF-style: chr6-32096019-C-A. GRCh37 (hg19) VCF-style: chr6-32063796-C-A.
Other names: c.1834G>T, p.Val612Leu (NM_019105.8); short protein forms V612L.
Identifiers: ClinVar variation 1702317 (VCV001702317.5), dbSNP rs368085612, ClinGen allele CA3735612.